The following is an entry in ClinVar:

NM_007194.4(CHEK2):c.445-15T>A

Gene: CHEK2 (checkpoint kinase 2; minus strand). Cytogenetic location: 22q12.1.
Variant type: single nucleotide variant.
Coding change: c.445-15T>A on transcript NM_007194.4 (MANE Select); 15 bases into the intron before coding-DNA position 445, T replaced by A.
Molecular consequence: intron variant.
Genome position (GRCh38, 1-based): chr22:28,725,139, A>T on the plus strand (T>A on the coding strand, the complement: CHEK2 is on the minus strand). VCF-style: chr22-28725139-A-T. GRCh37 (hg19) VCF-style: chr22-29121127-A-T.
Other names: c.-219-15T>A (NM_001437942.1); c.444+104T>A (NM_001349956.3); c.445-15T>A (NM_145862.3); c.-333-15T>A (NM_001257387.3); c.538-15T>A (NM_001438295.1, NM_001438293.1); c.574-15T>A (NM_001438294.1, NM_001005735.3).
Identifiers: ClinVar variation 419027 (VCV000419027.6), dbSNP rs1064793595, ClinGen allele CA16621079.

ClinVar aggregate classification (germline): Conflicting classifications of pathogenicity. Review status: criteria provided, conflicting classifications (1 of 4 stars). 3 submissions from 3 submitters: Uncertain significance (2); Likely benign (1). Last evaluated 2026-05-05.

Conditions:
Hereditary cancer-predisposing syndrome. Also called: Hereditary Cancer Syndrome; Tumor predisposition; Hereditary neoplastic syndrome; Neoplastic Syndromes, Hereditary. Identifiers: Orphanet 140162, MedGen C0027672, MeSH D009386, MONDO:0015356.
Familial cancer of breast. Also called: Hereditary breast cancer; BREAST CANCER, FAMILIAL; hereditary breast carcinoma. Identifiers: Orphanet 227535, MedGen C0346153, MONDO:0016419, OMIM 114480. Disease mechanism: loss of function.

Allele frequency attached by ClinVar (database versions not stated): gnomAD exomes 0.00001; gnomAD 0.00001.
gnomAD v4.1: 10 of 1,614,006 alleles (0.00062%); highest among the groups gnomAD compares: Non-Finnish European, 0.00085%; no homozygotes.

Submissions (3):

Ambry Genetics
Classification: Uncertain significance for Hereditary cancer-predisposing syndrome. Last evaluated: 2026-05-05. Review status: criteria provided, single submitter. Criteria: Ambry Variant Classification Scheme 2023. Collection method: clinical testing. Allele origin: germline.
Comment: The c.445-15T>A intronic variant results from a T to A substitution 15 nucleotides upstream from coding exon 3 in the CHEK2 gene. This nucleotide position is highly conserved in available vertebrate species. In silico splice site analysis for this alteration is inconclusive. RNA studies have demonstrated that this variant results in a splice defect; the clinical impact of this abnormal splicing is unknown at this time (Ambry internal data). Based on the available evidence, the clinical significance of this variant remains unclear.

Labcorp Genetics (formerly Invitae), Labcorp
Classification: Likely benign for Familial cancer of breast. Last evaluated: 2025-10-01. Review status: criteria provided, single submitter. Criteria: Invitae Variant Classification Sherloc (09022015). Collection method: clinical testing. Allele origin: germline.

GeneDx
Classification: Uncertain significance. Last evaluated: 2017-02-09. Review status: criteria provided, single submitter. Criteria: GeneDx Variant Classification (06012015). Collection method: clinical testing. Allele origin: germline. Affected: yes.
Comment: This variant is denoted CHEK2 c.445-15T>A or IVS3-15T>A and consists of a T>A nucleotide substitution at the -15 position of intron 3 of the CHEK2 gene. Multiple in silico models predict this variant to damage the nearby natural acceptor site and to possibly cause abnormal gene splicing. However, in the absence of RNA or functional studies, the actual effect of this variant is unknown. This variant has not, to our knowledge, been published in the literature as pathogenic or benign. CHEK2 c.445-15T>A was not observed in approximately 6,500 individuals of European and African American ancestry in the NHLBI Exome Sequencing Project, suggesting it is not a common benign variant in these populations. The thymine (T) nucleotide that is altered is not conserved across species. Based on currently available information, it is unclear whether CHEK2 c.445-15T>A is pathogenic or benign. We consider it to be a variant of uncertain significance.